The following is an entry in ClinVar:

ClinVar aggregate classification (germline): Benign. Review status: criteria provided, multiple submitters, no conflicts (2 of 4 stars). 6 submissions from 5 submitters: Benign (6). Last evaluated 2021-09-05.

Conditions:
Autosomal recessive nonsyndromic hearing loss 23. Identifiers: Orphanet 90636, MedGen C1836027, MONDO:0012293, OMIM 609533.
Usher syndrome type 1F (USH1F). Also called: USHER SYNDROME, TYPE IF. Identifiers: Orphanet 231169, Orphanet 886, MedGen C1865885, MONDO:0011186, OMIM 602083.

Allele frequency attached by ClinVar (database versions not stated): 1000 Genomes Project 30x 0.11009; 1000 Genomes Project 0.11022; TOPMed 0.18174; gnomAD 0.19833 and 0.20017; gnomAD exomes 0.21173; ExAC 0.21269; ESP Exome Variant Server 0.22379.
gnomAD v4.1: 431,814 of 1,613,326 alleles (27%); highest among the groups gnomAD compares: Non-Finnish European, 31%; 63,781 homozygotes.

Submissions (6):

Genome-Nilou Lab
Classification: Benign for Autosomal recessive nonsyndromic hearing loss 23. Last evaluated: 2021-09-05. Review status: criteria provided, single submitter. Criteria: ACMG Guidelines, 2015. Collection method: clinical testing. Allele origin: germline. Affected: no.

Genome-Nilou Lab
Classification: Benign for Usher syndrome type 1F. Last evaluated: 2021-07-01. Review status: criteria provided, single submitter. Criteria: ACMG Guidelines, 2015. Collection method: clinical testing. Allele origin: germline. Affected: no.

Mendelics
Classification: Benign for Usher syndrome type 1F. Last evaluated: 2019-05-28. Review status: criteria provided, single submitter. Criteria: Mendelics Assertion Criteria 2017. Collection method: clinical testing. Allele origin: unknown.

Athena Diagnostics
Classification: Benign. Last evaluated: 2018-05-09. Review status: criteria provided, single submitter. Criteria: Athena Diagnostics Criteria. Collection method: clinical testing. Allele origin: germline.

Laboratory for Molecular Medicine, Mass General Brigham Personalized Medicine
Classification: Benign. Last evaluated: 2012-05-07. Review status: criteria provided, single submitter. Criteria: LMM Criteria. Collection method: clinical testing. Allele origin: germline. Observed: 395 variant alleles.
Comment: Gln1661Pro in Exon 37 of PCDH15: This variant is not expected to have clinical s ignificance because it has been identified in 29.7% (1617/5446) of European Amer ican chromosomes from a broad population by the NHLBI Exome Sequencing Project (dbSNP rs17704703).

Breakthrough Genomics
Classification: Benign. Review status: criteria provided, single submitter. Criteria: ACMG Guidelines, 2015. Collection method: not provided. Allele origin: germline. Inheritance: Autosomal recessive inheritance. Affected: yes.

NM_001384140.1(PCDH15):c.5156A>C (p.Gln1719Pro)

Gene: PCDH15 (protocadherin related 15; minus strand). Cytogenetic location: 10q21.1.
Variant type: single nucleotide variant.
Coding change: c.5156A>C on transcript NM_001384140.1 (MANE Select); coding-DNA position 5156, A replaced by C.
Protein change: p.Gln1719Pro; replaces glutamine 1719 with proline.
Molecular consequence: missense variant.
Genome position (GRCh38, 1-based): chr10:53,806,646, T>G on the plus strand (A>C on the coding strand, the complement: PCDH15 is on the minus strand). VCF-style: chr10-53806646-T-G. GRCh37 (hg19) VCF-style: chr10-55566406-T-G.
Other names: c.4982A>C, p.Gln1661Pro (NM_001142771.2); c.4967A>C, p.Gln1656Pro (NM_001142772.2); c.4961A>C, p.Gln1654Pro (NM_001354420.2); c.5090A>C, p.Gln1697Pro (NM_001354429.2); short protein forms Q1661P, Q1697P, Q1654P, Q1656P, Q1719P.
Identifiers: ClinVar variation 227005 (VCV000227005.12), dbSNP rs17704703, ClinGen allele CA5504500.